The following is an entry in ClinVar:

ClinVar aggregate classification (germline): Uncertain significance (1 of 4 stars; one submission).

Conditions:
Hereditary cancer-predisposing syndrome. Also called: Neoplastic Syndromes, Hereditary; Tumor predisposition; Hereditary neoplastic syndrome; Hereditary Cancer Syndrome. Identifiers: Orphanet 140162, MedGen C0027672, MeSH D009386, MONDO:0015356.

Submission:

Ambry Genetics
Classification: Uncertain significance for Hereditary cancer-predisposing syndrome. Last evaluated: 2026-07-07. Review status: criteria provided, single submitter. Criteria: Ambry Variant Classification Scheme 2023. Collection method: clinical testing. Allele origin: germline.
Comment: The p.V99A variant (also known as c.296T>C) is located in coding exon 5 of the MAX gene. The valine at codon 99 is replaced by alanine, an amino acid with similar properties. This change occurs in the first base pair of coding exon 5. This amino acid position is conserved. In addition, the in silico prediction for this alteration is inconclusive. Based on the available evidence, the clinical significance of this variant remains unclear.

NM_002382.5(MAX):c.296T>C (p.Val99Ala)

Gene: MAX (MYC associated transcriptional regulator X; minus strand). Cytogenetic location: 14q23.3.
Variant type: single nucleotide variant.
Coding change: c.296T>C on transcript NM_002382.5 (MANE Select); coding-DNA position 296, T replaced by C.
Protein change: p.Val99Ala; replaces valine 99 with alanine.
Molecular consequence: missense variant. On other transcripts: 3 prime UTR variant (12), non-coding transcript variant (7), intron variant (2).
Genome position (GRCh38, 1-based): chr14:65,076,663, A>G on the plus strand (T>C on the coding strand, the complement: MAX is on the minus strand). VCF-style: chr14-65076663-A-G. GRCh37 (hg19) VCF-style: chr14-65543381-A-G.
Other names: c.107T>C, p.Phe36Ser (NM_001320415.2, NM_001407105.1, NM_001407106.1 and 1 more transcripts); c.296T>C, p.Val99Ala (NM_001407094.1); c.269T>C, p.Val90Ala (NM_001407095.1, NM_145112.3); c.*69T>C (NM_001407096.1, NM_001407099.1, NM_001407102.1 and 2 more transcripts); c.*85T>C (NM_001407097.1, NM_001407100.1, NM_001407101.1 and 4 more transcripts); c.188T>C, p.Val63Ala (NM_001407098.1); c.95T>C, p.Phe32Ser (NM_001407111.1, NM_001407112.1); c.144+17045T>C (NM_001271069.2); and 1 more; short protein forms V90A, V99A, F32S, F36S, V63A.
Identifiers: ClinVar variation 5023936 (VCV005023936.1).